The following is an entry in ClinVar:

NM_001142864.4(PIEZO1):c.1647G>A (p.Thr549=)

Genes: HSALR1 (HSP90AB1 associated lncRNA 1; plus strand), PIEZO1 (piezo type mechanosensitive ion channel component 1 (Er blood group); minus strand). Cytogenetic location: 16q24.3.
Variant type: single nucleotide variant.
Coding change: c.1647G>A on transcript NM_001142864.4 (MANE Select); coding-DNA position 1647, G replaced by A.
Protein change: p.Thr549=; no amino-acid change (threonine 549 retained).
Molecular consequence: synonymous variant.
Genome position (GRCh38, 1-based): chr16:88,735,157, C>T on the plus strand (G>A on the coding strand, the complement: PIEZO1 is on the minus strand). VCF-style: chr16-88735157-C-T. GRCh37 (hg19) VCF-style: chr16-88801565-C-T.
Identifiers: ClinVar variation 719933 (VCV000719933.33), dbSNP rs371201673, ClinGen allele CA8232954.

ClinVar aggregate classification (germline): Likely benign. Review status: criteria provided, multiple submitters, no conflicts (2 of 4 stars). 4 submissions from 4 submitters: Likely benign (4). Last evaluated 2025-08-14.

Allele frequency attached by ClinVar (database versions not stated): 1000 Genomes Project 30x 0.00031; gnomAD exomes 0.00072 and 0.00168; ExAC 0.00073; TOPMed 0.00099; gnomAD 0.00100 and 0.00105; ESP Exome Variant Server 0.00175.
gnomAD v4.1: 2,500 of 1,550,292 alleles (0.16%); highest among the groups gnomAD compares: Non-Finnish European, 0.2%; 1 homozygote.

Submissions (4):

Labcorp Genetics (formerly Invitae), Labcorp
Classification: Likely benign. Last evaluated: 2025-08-14. Review status: criteria provided, single submitter. Criteria: Invitae Variant Classification Sherloc (09022015). Collection method: clinical testing. Allele origin: germline.

Blueprint Genetics
Classification: Likely benign. Last evaluated: 2024-10-17. Review status: criteria provided, single submitter. Criteria: ACMG Guidelines, 2015. Collection method: clinical testing. Allele origin: germline.

CeGaT Center for Human Genetics Tuebingen
Classification: Likely benign. Last evaluated: 2023-07-01. Review status: criteria provided, single submitter. Criteria: CeGaT Center For Human Genetics Tuebingen Variant Classification Criteria Version 2. Collection method: clinical testing. Allele origin: germline. Affected: yes. Observed: 2 variant alleles.
Comment: PIEZO1: BP4, BP7

Breakthrough Genomics
Classification: Likely benign. Review status: criteria provided, single submitter. Criteria: ACMG Guidelines, 2015. Collection method: not provided. Allele origin: germline. Inheritance: Autosomal recessive inheritance. Affected: yes.